The following is an entry in ClinVar:

ClinVar aggregate classification (germline): Uncertain significance (1 of 4 stars; one submission).

Conditions:
Focal segmental glomerulosclerosis 5 (FSGS5). Identifiers: Orphanet 656, MedGen C2750475, MONDO:0013191, OMIM 613237.
Charcot-Marie-Tooth disease dominant intermediate E. Also called: CHARCOT-MARIE-TOOTH NEUROPATHY WITH FOCAL SEGMENTAL GLOMERULONEPHRITIS. Identifiers: Orphanet 93114, MedGen C4302667, MONDO:0013758, OMIM 614455.

Submission:

Labcorp Genetics (formerly Invitae), Labcorp
Classification: Uncertain significance for Charcot-Marie-Tooth disease dominant intermediate E; Focal segmental glomerulosclerosis 5. Last evaluated: 2025-02-12. Review status: criteria provided, single submitter. Criteria: Invitae Variant Classification Sherloc (09022015). Collection method: clinical testing. Allele origin: germline.
Comment: This sequence change replaces valine, which is neutral and non-polar, with leucine, which is neutral and non-polar, at codon 854 of the INF2 protein (p.Val854Leu). This variant is not present in population databases (gnomAD no frequency). This variant has not been reported in the literature in individuals affected with INF2-related conditions. Invitae Evidence Modeling of protein sequence and biophysical properties (such as structural, functional, and spatial information, amino acid conservation, physicochemical variation, residue mobility, and thermodynamic stability) indicates that this missense variant is not expected to disrupt INF2 protein function with a negative predictive value of 95%. In summary, the available evidence is currently insufficient to determine the role of this variant in disease. Therefore, it has been classified as a Variant of Uncertain Significance.

NM_022489.4(INF2):c.2560G>T (p.Val854Leu)

Gene: INF2 (inverted formin 2; plus strand). Cytogenetic location: 14q32.33.
Variant type: single nucleotide variant.
Coding change: c.2560G>T on transcript NM_022489.4 (MANE Select); coding-DNA position 2560, G replaced by T.
Protein change: p.Val854Leu; replaces valine 854 with leucine.
Molecular consequence: missense variant. On other transcripts: non-coding transcript variant (1).
Genome position (GRCh38, 1-based): chr14:104,712,503, G>T. VCF-style: chr14-104712503-G-T. GRCh37 (hg19) VCF-style: chr14-105178840-G-T.
Other names: c.2560G>T, p.Val854Leu (NM_001031714.4, NM_001426862.1, NM_001426863.1 and 2 more transcripts); short protein forms V854L.
Identifiers: ClinVar variation 4787581 (VCV004787581.1).